The following is an entry in ClinVar:

ClinVar aggregate classification (germline): Uncertain significance. Review status: criteria provided, multiple submitters, no conflicts (2 of 4 stars). 2 submissions from 2 submitters: Uncertain significance (2). Last evaluated 2024-03-06.

Conditions:
Cardiac arrhythmia. Also called: Arrhythmia; Cardiac rhythm disease. Identifiers: MedGen C0003811, MONDO:0007263, HP:0011675.

Allele frequency attached by ClinVar (database versions not stated): ExAC 0.00001; gnomAD exomes below 0.00001.

Submissions (2):

GeneDx
Classification: Uncertain significance. Last evaluated: 2024-03-06. Review status: criteria provided, single submitter. Criteria: GeneDx Variant Classification Process June 2021. Collection method: clinical testing. Allele origin: germline. Affected: yes.
Comment: Not observed at significant frequency in large population cohorts (gnomAD); In silico analysis supports that this missense variant does not alter protein structure/function; Has not been previously published as pathogenic or benign to our knowledge

Color Diagnostics, LLC DBA Color Health
Classification: Uncertain significance for Cardiac arrhythmia. Last evaluated: 2021-01-25. Review status: criteria provided, single submitter. Criteria: ACMG Guidelines, 2015. Collection method: clinical testing. Allele origin: germline.
Comment: This missense variant replaces proline with leucine at codon 310 of the KCNH2 protein. Computational prediction is inconclusive regarding the impact of this variant on protein structure and function (internally defined REVEL score threshold 0.5 < inconclusive < 0.7, PMID: 27666373). To our knowledge, functional studies have not been reported for this variant. This variant has not been reported in individuals affected with cardiovascular disorders in the literature. This variant has been identified in 1/250144 chromosomes in the general population by the Genome Aggregation Database (gnomAD). The available evidence is insufficient to determine the role of this variant in disease conclusively. Therefore, this variant is classified as a Variant of Uncertain Significance.

NM_000238.4(KCNH2):c.929C>T (p.Pro310Leu)

Gene: KCNH2 (potassium voltage-gated channel subfamily H member 2; minus strand). Cytogenetic location: 7q36.1.
Variant type: single nucleotide variant.
Coding change: c.929C>T on transcript NM_000238.4 (MANE Select); coding-DNA position 929, C replaced by T.
Protein change: p.Pro310Leu; replaces proline 310 with leucine.
Molecular consequence: missense variant.
Genome position (GRCh38, 1-based): chr7:150,957,490, G>A on the plus strand (C>T on the coding strand, the complement: KCNH2 is on the minus strand). VCF-style: chr7-150957490-G-A. GRCh37 (hg19) VCF-style: chr7-150654578-G-A.
Other names: c.929C>T (NM_000238.2); c.641C>T, p.Pro214Leu (NM_001406753.1, NM_001406756.1); c.752C>T, p.Pro251Leu (NM_001406755.1); c.629C>T, p.Pro210Leu (NM_001406757.1); c.929C>T, p.Pro310Leu (NM_172056.3); short protein forms P310L, P251L, P210L, P214L.
Identifiers: ClinVar variation 1332223 (VCV001332223.6), dbSNP rs769368735, ClinGen allele CA040960.